The following is an entry in ClinVar:

NM_024753.5(TTC21B):c.2258C>T (p.Pro753Leu)

Gene: TTC21B (tetratricopeptide repeat domain 21B; minus strand). Cytogenetic location: 2q24.3.
Variant type: single nucleotide variant.
Coding change: c.2258C>T on transcript NM_024753.5 (MANE Select); coding-DNA position 2258, C replaced by T.
Protein change: p.Pro753Leu; replaces proline 753 with leucine.
Molecular consequence: missense variant.
Genome position (GRCh38, 1-based): chr2:165,912,578, G>A on the plus strand (C>T on the coding strand, the complement: TTC21B is on the minus strand). VCF-style: chr2-165912578-G-A. GRCh37 (hg19) VCF-style: chr2-166769088-G-A.
Other names: short protein forms P753L.
Identifiers: ClinVar variation 459288 (VCV000459288.19), dbSNP rs539769126, ClinGen allele CA1941879.

ClinVar aggregate classification (germline): Conflicting classifications of pathogenicity. Review status: criteria provided, conflicting classifications (1 of 4 stars). 7 submissions from 6 submitters: Uncertain significance (1); Benign (2); Likely benign (2). 2 of the submissions do not count toward it. Last evaluated 2026-01-12.

Conditions:
Meckel-Gruber-like syndrome.
Jeune thoracic dystrophy. Also called: Jeune syndrome; Infantile thoracic dystrophy; Thoracic pelvic phalangeal dystrophy; Jeune's syndrome; Chondroectodermal dysplasia-like syndrome; Short-rib thoracic dysplasia. Identifiers: Orphanet 474, MedGen C0265275, MONDO:0018770.
Nephronophthisis. Also called: Juvenile Nephronophthisis. Identifiers: Orphanet 655, MedGen C0687120, MONDO:0019005, HP:0000090.
Asphyxiating thoracic dystrophy 4 (SRTD4). Also called: SHORT-RIB THORACIC DYSPLASIA 4; SHORT-RIB THORACIC DYSPLASIA 4 WITH OR WITHOUT POLYDACTYLY. Identifiers: Orphanet 474, MedGen C3151185, MONDO:0013441, OMIM 613819.
Nephronophthisis 12 (NPHP12). Identifiers: Orphanet 655, MedGen C3151186, MONDO:0013442, OMIM 613820.

Allele frequency attached by ClinVar (database versions not stated): gnomAD 0.00001 and 0.00060; TOPMed 0.00016; gnomAD exomes 0.00088 and 0.00171; ExAC 0.00188; 1000 Genomes Project 30x 0.00500; 1000 Genomes Project 0.00519.
gnomAD v4.1: 1,385 of 1,613,960 alleles (0.086%); highest among the groups gnomAD compares: South Asian, 1.4%; 16 homozygotes.

Submissions (7):

Labcorp Genetics (formerly Invitae), Labcorp
Classification: Benign for Jeune thoracic dystrophy; Nephronophthisis. Last evaluated: 2026-01-12. Review status: criteria provided, single submitter. Criteria: Invitae Variant Classification Sherloc (09022015). Collection method: clinical testing. Allele origin: germline.

Blueprint Genetics
Classification: Likely benign. Last evaluated: 2024-11-25. Review status: criteria provided, single submitter. Criteria: ACMG Guidelines, 2015. Collection method: clinical testing. Allele origin: germline.

Illumina Laboratory Services, Illumina
Classification: Likely benign for Asphyxiating thoracic dystrophy 4. Last evaluated: 2017-04-27. Review status: criteria provided, single submitter. Criteria: ICSL Variant Classification Criteria 13 December 2019. Collection method: clinical testing. Allele origin: germline.
Comment: This variant was observed as part of a predisposition screen in an ostensibly healthy population. A literature search was performed for the gene, cDNA change, and amino acid change (where applicable). Publications were found based on this search. The evidence from the literature, in combination with allele frequency data from public databases where available, was sufficient to determine this variant is unlikely to cause disease. Therefore, this variant is classified as likely benign.

Illumina Laboratory Services, Illumina
Classification: Uncertain significance for Nephronophthisis 12. Last evaluated: 2017-04-27. Review status: criteria provided, single submitter. Criteria: ICSL Variant Classification Criteria 13 December 2019. Collection method: clinical testing. Allele origin: germline.

Broad Center for Mendelian Genomics, Broad Institute of MIT and Harvard
Classification: Benign for Meckel-Gruber-like syndrome. Review status: criteria provided, single submitter. Criteria: ACMG Guidelines, 2015. Collection method: research. Allele origin: germline. Inheritance: Autosomal recessive inheritance. Affected: yes.
Comment: The heterozygous p.Pro753Leu variant in TTC21B has been identified in 2 individuals with Meckel-Gruber-like syndrome (PMID: 21258341), but has also been identified in 5 unaffected individuals (PMID: 21258341), and >1% of South Asian chromosomes and 2 homozygotes by ExAC. In vitro functional studies provide some evidence that the p.Pro753Leu variant may silghtly impact protein function (PMID: 21258341). However, these types of assays may not accurately represent biological function. In summary, this variant meets criteria to be classified as benign for autosomal recessive Meckel-Gruber-like syndrome.

Clinical Genetics DNA and cytogenetics Diagnostics Lab, Erasmus MC, Erasmus Medical Center
Classification: Likely benign. Review status: no assertion criteria provided. Collection method: clinical testing. Allele origin: germline. Affected: yes. Study: VKGL Data-share Consensus. Not counted in ClinVar's aggregate classification.

Laboratory of Diagnostic Genome Analysis, Leiden University Medical Center (LUMC)
Classification: Likely benign. Review status: no assertion criteria provided. Collection method: clinical testing. Allele origin: germline. Affected: yes. Study: VKGL Data-share Consensus. Not counted in ClinVar's aggregate classification.

Literature cited by the submitters: PubMed 21258341 (cited by Illumina Laboratory Services, Illumina and Broad Center for Mendelian Genomics, Broad Institute of MIT and Harvard).